The following is an entry in ClinVar:

ClinVar aggregate classification (germline): Pathogenic (1 of 4 stars; one submission).

Conditions:
Marfan syndrome (MFS). Also called: MARFAN SYNDROME, TYPE I; Marfan syndrome type 1; Marfan's syndrome; Marfan syndrome, classic; FBN1-Related Marfan Syndrome. Identifiers: Orphanet 284963, Orphanet 558, MedGen C0024796, MONDO:0007947, OMIM 154700.
Familial thoracic aortic aneurysm and aortic dissection (TAAD). Also called: Thoracic aortic aneurysms and dissections. Identifiers: Orphanet 91387, MedGen C4707243, MONDO:0019625.

Submission:

Labcorp Genetics (formerly Invitae), Labcorp
Classification: Pathogenic for Marfan syndrome; Familial thoracic aortic aneurysm and aortic dissection. Last evaluated: 2023-01-14. Review status: criteria provided, single submitter. Criteria: Invitae Variant Classification Sherloc (09022015). Collection method: clinical testing. Allele origin: germline.
Comment: For these reasons, this variant has been classified as Pathogenic. This variant has not been reported in the literature in individuals affected with FBN1-related conditions. This variant is not present in population databases (gnomAD no frequency). This sequence change creates a premature translational stop signal (p.Cys499Valfs*80) in the FBN1 gene. It is expected to result in an absent or disrupted protein product. Loss-of-function variants in FBN1 are known to be pathogenic (PMID: 17657824, 19293843).

Literature cited by the submitters: PubMed 17657824; PubMed 19293843.

NM_000138.5(FBN1):c.1494del (p.Cys499fs)

Gene: FBN1 (fibrillin 1; minus strand). Cytogenetic location: 15q21.1.
Variant type: Deletion.
Coding change: c.1494del on transcript NM_000138.5 (MANE Select); coding-DNA position 1494, one base deleted (C; older notation c.1494delC).
Protein change: p.Cys499fs; shifts the reading frame from cysteine 499.
Molecular consequence: frameshift variant.
Genome position (GRCh38, 1-based): chr15:48,513,643, G deleted on the plus strand (C on the coding strand, the reverse complement: FBN1 is on the minus strand); the first of 4 consecutive G bases (chr15:48,513,643-48,513,646); deleting any one gives the same sequence. VCF-style (leftmost placement, unchanged base first): chr15-48513642-AG-A. GRCh37 (hg19) VCF-style: chr15-48805839-AG-A.
Other names: c.1494del, p.Cys499fs (NM_001406716.1); short protein forms C499fs.
Identifiers: ClinVar variation 2943195 (VCV002943195.3), dbSNP rs34919986, ClinGen allele CA2740096674.